The following is an entry in ClinVar:

NM_004385.5(VCAN):c.8780A>G (p.Glu2927Gly)

Genes: VCAN (versican; plus strand), VCAN-AS1 (VCAN antisense RNA 1; minus strand). Cytogenetic location: 5q14.3.
Variant type: single nucleotide variant.
Coding change: c.8780A>G on transcript NM_004385.5 (MANE Select); coding-DNA position 8780, A replaced by G.
Protein change: p.Glu2927Gly; replaces glutamic acid 2927 with glycine.
Molecular consequence: missense variant. On other transcripts: intron variant (2).
Genome position (GRCh38, 1-based): chr5:83,541,783, A>G. VCF-style: chr5-83541783-A-G. GRCh37 (hg19) VCF-style: chr5-82837602-A-G.
Other names: c.5819A>G, p.Glu1940Gly (NM_001164097.2); c.4004-3754A>G (NM_001164098.2); c.1043-3754A>G (NM_001126336.3); short protein forms E1940G, E2927G.
Identifiers: ClinVar variation 1992695 (VCV001992695.4), dbSNP rs2479124825, ClinGen allele CA360294156.

ClinVar aggregate classification (germline): Uncertain significance (1 of 4 stars; one submission).

Submission:

Labcorp Genetics (formerly Invitae), Labcorp
Classification: Uncertain significance. Last evaluated: 2022-05-10. Review status: criteria provided, single submitter. Criteria: Invitae Variant Classification Sherloc (09022015). Collection method: clinical testing. Allele origin: germline.
Comment: This sequence change replaces glutamic acid, which is acidic and polar, with glycine, which is neutral and non-polar, at codon 2927 of the VCAN protein (p.Glu2927Gly). This variant is not present in population databases (gnomAD no frequency). This variant has not been reported in the literature in individuals affected with VCAN-related conditions. Algorithms developed to predict the effect of missense changes on protein structure and function are either unavailable or do not agree on the potential impact of this missense change (SIFT: "Deleterious"; PolyPhen-2: "Benign"; Align-GVGD: "Class C65"). In summary, the available evidence is currently insufficient to determine the role of this variant in disease. Therefore, it has been classified as a Variant of Uncertain Significance.